The following is an entry in ClinVar:

ClinVar aggregate classification (germline): Uncertain significance (1 of 4 stars; one submission).

Conditions:
COG5-congenital disorder of glycosylation. Also called: CDG IIi; CONGENITAL DISORDER OF GLYCOSYLATION, TYPE IIi; COG5-CDG. Identifiers: Orphanet 263487, MedGen C3150876, MONDO:0013325, OMIM 613612.

gnomAD v4.1: 2 of 1,613,358 alleles (0.00012%); highest among the groups gnomAD compares: Middle Eastern, 0.017%; no homozygotes.

Submission:

Labcorp Genetics (formerly Invitae), Labcorp
Classification: Uncertain significance for COG5-congenital disorder of glycosylation. Last evaluated: 2022-07-11. Review status: criteria provided, single submitter. Criteria: Invitae Variant Classification Sherloc (09022015). Collection method: clinical testing. Allele origin: germline.
Comment: In summary, the available evidence is currently insufficient to determine the role of this variant in disease. Therefore, it has been classified as a Variant of Uncertain Significance. This sequence change replaces valine, which is neutral and non-polar, with alanine, which is neutral and non-polar, at codon 578 of the COG5 protein (p.Val578Ala). This variant is present in population databases (no rsID available, gnomAD 0.0009%). This variant has not been reported in the literature in individuals affected with COG5-related conditions. Algorithms developed to predict the effect of missense changes on protein structure and function (SIFT, PolyPhen-2, Align-GVGD) all suggest that this variant is likely to be tolerated.

NM_006348.5(COG5):c.1640T>C (p.Val547Ala)

Genes: COG5 (component of oligomeric golgi complex 5; minus strand), LOC129389837 (MPRA-validated peak6677 silencer; plus strand). Cytogenetic location: 7q22.3.
Variant type: single nucleotide variant.
Coding change: c.1640T>C on transcript NM_006348.5 (MANE Select); coding-DNA position 1640, T replaced by C.
Protein change: p.Val547Ala; replaces valine 547 with alanine.
Molecular consequence: missense variant. On other transcripts: intron variant (1).
Genome position (GRCh38, 1-based): chr7:107,258,319, A>G on the plus strand (T>C on the coding strand, the complement: COG5 is on the minus strand). VCF-style: chr7-107258319-A-G. GRCh37 (hg19) VCF-style: chr7-106898764-A-G.
Other names: c.1640T>C, p.Val547Ala (NM_001161520.2, NM_001379513.1, NM_001379514.1 and 1 more transcripts); c.1478T>C, p.Val493Ala (NM_001379511.1); c.1070T>C, p.Val357Ala (NM_001379515.1); c.926T>C, p.Val309Ala (NM_001379516.1); c.1576-9820T>C (NM_001379512.1); short protein forms V309A, V493A, V547A, V357A.
Identifiers: ClinVar variation 2013662 (VCV002013662.4), dbSNP rs1277876845, ClinGen allele CA368941055.
Genomic context (GRCh38, chr7:107,258,319, plus strand): 5'-AATAAAATAGTTACCTTTGTTACTGATTGGTGCAACTTATACAATGAATTCACTACTGCC[A>G]CATTTCTTCTCTGTCCTTCAGTAAGAGGCCCAATCACCTGACTTGCATCTCCTTGTGTGG-3'
Protein context (NP_006339.4, residues 537-557): GPLTEGQRRN[Val547Ala]AVVNSLYKLH